The following is an entry in ClinVar:

NM_000528.4(MAN2B1):c.1774G>A (p.Ala592Thr)

Gene: MAN2B1 (mannosidase alpha class 2B member 1; minus strand). Cytogenetic location: 19p13.13.
Variant type: single nucleotide variant.
Coding change: c.1774G>A on transcript NM_000528.4 (MANE Select); coding-DNA position 1774, G replaced by A.
Protein change: p.Ala592Thr; replaces alanine 592 with threonine.
Molecular consequence: missense variant.
Genome position (GRCh38, 1-based): chr19:12,655,750, C>T on the plus strand (G>A on the coding strand, the complement: MAN2B1 is on the minus strand). VCF-style: chr19-12655750-C-T. GRCh37 (hg19) VCF-style: chr19-12766564-C-T.
Other names: c.1771G>A, p.Ala591Thr (NM_001173498.2); short protein forms A591T, A592T.
Identifiers: ClinVar variation 1363927 (VCV001363927.7), dbSNP rs766021102, ClinGen allele CA9226329.

ClinVar aggregate classification (germline): Uncertain significance (1 of 4 stars; one submission).

Conditions:
Deficiency of alpha-mannosidase (MANSA). Also called: LYSOSOMAL ALPHA-D-MANNOSIDASE DEFICIENCY; Mannosidosis, alpha-, types I and II; Alpha-Mannosidosis. Identifiers: Orphanet 61, MedGen C0024748, MONDO:0009561, OMIM 248500.

Allele frequency attached by ClinVar (database versions not stated): TOPMed below 0.00001; gnomAD 0.00001; gnomAD exomes 0.00001; ExAC 0.00002.
gnomAD v4.1: 9 of 1,608,584 alleles (0.00056%); highest among the groups gnomAD compares: Admixed American, 0.005%; no homozygotes.

Submission:

Labcorp Genetics (formerly Invitae), Labcorp
Classification: Uncertain significance for Deficiency of alpha-mannosidase. Last evaluated: 2025-12-01. Review status: criteria provided, single submitter. Criteria: Invitae Variant Classification Sherloc (09022015). Collection method: clinical testing. Allele origin: germline.
Comment: This sequence change replaces alanine, which is neutral and non-polar, with threonine, which is neutral and polar, at codon 592 of the MAN2B1 protein (p.Ala592Thr). This variant is present in population databases (rs766021102, gnomAD 0.007%). This variant has not been reported in the literature in individuals affected with MAN2B1-related conditions. ClinVar contains an entry for this variant (Variation ID: 1363927). Invitae Evidence Modeling of protein sequence and biophysical properties (such as structural, functional, and spatial information, amino acid conservation, physicochemical variation, residue mobility, and thermodynamic stability) indicates that this missense variant is not expected to disrupt MAN2B1 protein function with a negative predictive value of 95%. In summary, the available evidence is currently insufficient to determine the role of this variant in disease. Therefore, it has been classified as a Variant of Uncertain Significance.